The following is an entry in ClinVar:

ClinVar aggregate classification (germline): Benign/Likely benign. Review status: criteria provided, multiple submitters, no conflicts (2 of 4 stars). 5 submissions from 5 submitters: Benign (2); Likely benign (2). 1 of the submissions does not count toward it. Last evaluated 2026-01-27.

Conditions:
Epilepsy, idiopathic generalized, susceptibility to, 16. Identifiers: MedGen C5231421, MONDO:0032827, OMIM 618596.
Cerebellar atrophy, developmental delay, and seizures. Identifiers: MedGen C4539985, MONDO:0060551, OMIM 617643.
Liang-Wang syndrome. Identifiers: Orphanet 664438, MedGen C5231479, MONDO:0032886, OMIM 618729.
Generalized epilepsy-paroxysmal dyskinesia syndrome (PNKD3). Also called: Generalized epilepsy and paroxysmal dyskinesia; Paroxysmal nonkinesigenic dyskinesia, 3, with or without generalized epilepsy. Identifiers: Orphanet 79137, MedGen C5574945, MONDO:0012276, OMIM 609446.
KCNMA1-related disorder. Also called: KCNMA1-related disorders; KCNMA1-related condition.

Allele frequency attached by ClinVar (database versions not stated): gnomAD exomes 0.00014 and 0.00035; ExAC 0.00039; 1000 Genomes Project 30x 0.00125; 1000 Genomes Project 0.00140; gnomAD 0.00166 and 0.00176; ESP Exome Variant Server 0.00177; TOPMed 0.00178.
gnomAD v4.1: 465 of 1,614,000 alleles (0.029%); highest among the groups gnomAD compares: African/African-American, 0.58%; no homozygotes.

Submissions (5):

Labcorp Genetics (formerly Invitae), Labcorp
Classification: Benign for Generalized epilepsy-paroxysmal dyskinesia syndrome. Last evaluated: 2026-01-27. Review status: criteria provided, single submitter. Criteria: Invitae Variant Classification Sherloc (09022015). Collection method: clinical testing. Allele origin: germline.

Women's Health and Genetics/Laboratory Corporation of America, LabCorp
Classification: Likely benign. Last evaluated: 2024-06-20. Review status: criteria provided, single submitter. Criteria: LabCorp Variant Classification Summary - May 2015. Collection method: clinical testing. Allele origin: germline.
Comment: Variant summary: KCNMA1 c.2484+7G>A alters a conserved nucleotide located close to a canonical splice site and therefore could affect mRNA splicing, leading to a significantly altered protein sequence. Consensus agreement among computation tools predict no significant impact on normal splicing. However, these predictions have yet to be confirmed by functional studies. The variant allele was found at a frequency of 0.00035 in 251302 control chromosomes, predominantly at a frequency of 0.0051 within the African or African-American subpopulation in the gnomAD database, suggesting the variant may be benign. To our knowledge, no occurrence of c.2484+7G>A in individuals affected with Paroxysmal Nonkinesigenic Dyskinesia, 3, With Or Without Generalized Epilepsy and no experimental evidence demonstrating its impact on protein function have been reported. ClinVar contains an entry for this variant (Variation ID: 532948). Based on the evidence outlined above, the variant was classified as likely benign.

Eurofins Ntd Llc (ga)
Classification: Benign. Last evaluated: 2017-10-30. Review status: criteria provided, single submitter. Criteria: EGL Classification Definitions 2015. Collection method: clinical testing. Allele origin: germline. Observed: 1 variant allele, 1 heterozygote.

Center for Genomics, Ann and Robert H. Lurie Children's Hospital of Chicago
Classification: Likely benign for Epilepsy, idiopathic generalized, susceptibility to, 16; Generalized epilepsy-paroxysmal dyskinesia syndrome; Cerebellar atrophy, developmental delay, and seizures; Liang-Wang syndrome. Review status: criteria provided, single submitter. Criteria: ACMG Guidelines, 2015. Collection method: clinical testing. Allele origin: germline.
Comment: This variant has not been reported in the literature but is present in the Genome Aggregation Database (Highest reported MAF 0.5% (243/41436). This variant is present in ClinVar, with several labs classifying this variant as Benign (Variation ID:532948). Evolutionary conservation and computational predictive tools for this variant are limited or unavailable. This variant is an intronic variant with no predicted change in the amino acid sequence but may have an unknown effect on splicing. Splice prediction tools suggest that this variant may not affect splicing. Further studies are needed to understand its impact. In summary, data on this variant suggests that this variant does not cause disease but requires further evidence. Therefore, this variant is classified as likely benign.

PreventionGenetics, part of Exact Sciences
Classification: Likely benign for KCNMA1-related condition. Last evaluated: 2022-10-25. Review status: no assertion criteria provided. Collection method: clinical testing. Allele origin: germline. Not counted in ClinVar's aggregate classification.
Comment: This variant is classified as likely benign based on ACMG/AMP sequence variant interpretation guidelines (Richards et al. 2015 PMID: 25741868, with internal and published modifications).

NM_001161352.2(KCNMA1):c.2484+7G>A

Genes: KCNMA1-AS1 (KCNMA1 antisense RNA 1; plus strand), KCNMA1 (potassium calcium-activated channel subfamily M alpha 1; minus strand). Cytogenetic location: 10q22.3.
Variant type: single nucleotide variant.
Coding change: c.2484+7G>A on transcript NM_001161352.2 (MANE Select); 7 bases into the intron after coding-DNA position 2484, G replaced by A.
Molecular consequence: intron variant.
Genome position (GRCh38, 1-based): chr10:76,953,794, C>T on the plus strand (G>A on the coding strand, the complement: KCNMA1 is on the minus strand). VCF-style: chr10-76953794-C-T. GRCh37 (hg19) VCF-style: chr10-78713552-C-T.
Other names: c.1857+7G>A (NM_001322838.2); c.2310+7G>A (NM_002247.4, NM_001161353.2, NM_001322832.2); c.2319+7G>A (NM_001322836.2, NM_001271519.2, NM_001322829.2); c.2322+7G>A (NM_001322837.2, NM_001014797.3, NM_001322835.2); c.2160+7G>A (NM_001271518.2); c.2331+7G>A (NM_001322830.2).
Identifiers: ClinVar variation 532948 (VCV000532948.20), dbSNP rs13377017, ClinGen allele CA5568081.